The following is an entry in ClinVar:

NM_006060.6(IKZF1):c.482_487del (p.Leu161_Arg162del)

Gene: IKZF1 (IKAROS family zinc finger 1; plus strand). Cytogenetic location: 7p12.2.
Variant type: Deletion.
Coding change: c.482_487del on transcript NM_006060.6 (MANE Select); coding-DNA positions 482 to 487, 6 bases deleted (TCCGGC; older notation c.482_487delTCCGGC).
Protein change: p.Leu161_Arg162del.
Molecular consequence: inframe deletion. On other transcripts: intron variant (6).
Genome position (GRCh38, 1-based): chr7:50,382,600-50,382,605, TCCGGC deleted; deleting any 6 consecutive bases within chr7:50,382,598-50,382,605 gives the same sequence; the c. name uses the placement nearest the transcript's 3' end. VCF-style (leftmost placement, unchanged base first): chr7-50382597-TGCTCCG-T. GRCh37 (hg19) VCF-style: chr7-50450295-TGCTCCG-T.
Other names: c.482_487del, p.Leu161_Arg162del (NM_001220765.3, NM_001220768.2, NM_001291837.2); c.221_226del, p.Leu74_Arg75del (NM_001220767.2, NM_001220770.2, NM_001291838.2 and 1 more transcripts); c.542_547del, p.Leu181_Arg182del (NM_001410879.1); c.421+5807_421+5812del (NM_001220771.2); c.161-4745_161-4740del (NM_001291841.1, NM_001291842.1); c.161-9129_161-9124del (NM_001291843.1, NM_001291844.1); c.161-17318_161-17313del (NM_001291840.1).
Identifiers: ClinVar variation 4823326 (VCV004823326.4).

ClinVar aggregate classification (germline): Likely pathogenic (1 of 4 stars; one submission).

Submission:

CeGaT Center for Human Genetics Tuebingen
Classification: Likely pathogenic. Last evaluated: 2026-02-01. Review status: criteria provided, single submitter. Criteria: CeGaT Center For Human Genetics Tuebingen Variant Classification Criteria Version 2. Collection method: clinical testing. Allele origin: germline. Affected: yes. Observed: 1 variant allele.
Comment: IKZF1: PM1, PM2, PM4